The following is an entry in ClinVar:

NM_000057.4(BLM):c.1864T>C (p.Ser622Pro)

Gene: BLM (BLM RecQ like helicase; plus strand). Cytogenetic location: 15q26.1.
Variant type: single nucleotide variant.
Coding change: c.1864T>C on transcript NM_000057.4 (MANE Select); coding-DNA position 1864, T replaced by C.
Protein change: p.Ser622Pro; replaces serine 622 with proline.
Molecular consequence: missense variant.
Genome position (GRCh38, 1-based): chr15:90,761,237, T>C. VCF-style: chr15-90761237-T-C. GRCh37 (hg19) VCF-style: chr15-91304467-T-C.
Other names: c.1864T>C, p.Ser622Pro (NM_001287246.2, NM_001287247.2); c.739T>C, p.Ser247Pro (NM_001287248.2); short protein forms S622P, S247P.
Identifiers: ClinVar variation 577600 (VCV000577600.18), dbSNP rs1033751385, ClinGen allele CA274738485.

ClinVar aggregate classification (germline): Uncertain significance. Review status: criteria provided, multiple submitters, no conflicts (2 of 4 stars). 3 submissions from 3 submitters: Uncertain significance (2). 1 of the submissions does not count toward it. Last evaluated 2025-05-25.

Conditions:
Bloom syndrome (BLM). Also called: Bloom-Torre-Machacek syndrome. Identifiers: Orphanet 125, MedGen C0005859, MONDO:0008876, OMIM 210900.
Hereditary cancer-predisposing syndrome. Also called: Tumor predisposition; Hereditary neoplastic syndrome; Hereditary Cancer Syndrome; Neoplastic Syndromes, Hereditary. Identifiers: Orphanet 140162, MedGen C0027672, MeSH D009386, MONDO:0015356.

Allele frequency attached by ClinVar (database versions not stated): gnomAD exomes 0.00001; TOPMed 0.00001; gnomAD 0.00002.
gnomAD v4.1: 14 of 1,535,682 alleles (0.00091%); highest among the groups gnomAD compares: African/African-American, 0.0014%; no homozygotes.

Submissions (3):

Labcorp Genetics (formerly Invitae), Labcorp
Classification: Uncertain significance for Bloom syndrome. Last evaluated: 2025-05-25. Review status: criteria provided, single submitter. Criteria: Invitae Variant Classification Sherloc (09022015). Collection method: clinical testing. Allele origin: germline.
Comment: This sequence change replaces serine, which is neutral and polar, with proline, which is neutral and non-polar, at codon 622 of the BLM protein (p.Ser622Pro). This variant is present in population databases (no rsID available, gnomAD 0.007%). This variant has not been reported in the literature in individuals affected with BLM-related conditions. ClinVar contains an entry for this variant (Variation ID: 577600). An algorithm developed to predict the effect of missense changes on protein structure and function (PolyPhen-2) suggests that this variant is likely to be disruptive. In summary, the available evidence is currently insufficient to determine the role of this variant in disease. Therefore, it has been classified as a Variant of Uncertain Significance.

Ambry Genetics
Classification: Uncertain significance for Hereditary cancer-predisposing syndrome. Last evaluated: 2024-06-22. Review status: criteria provided, single submitter. Criteria: Ambry Variant Classification Scheme 2023. Collection method: clinical testing. Allele origin: germline.
Comment: The p.S622P variant (also known as c.1864T>C), located in coding exon 6 of the BLM gene, results from a T to C substitution at nucleotide position 1864. The serine at codon 622 is replaced by proline, an amino acid with similar properties. This variant was identified in a cohort of 1040 patients with advanced cancer and was classified as a variant of unknown significance by authors (Mandelker D et al. JAMA, 2017 09;318:825-835). This amino acid position is well conserved in available vertebrate species. In addition, this alteration is predicted to be tolerated by in silico analysis. Since supporting evidence is limited at this time, the clinical significance of this alteration remains unclear.

Natera, Inc.
Classification: Uncertain significance for Bloom syndrome. Last evaluated: 2020-12-01. Review status: no assertion criteria provided. Collection method: clinical testing. Allele origin: germline. Not counted in ClinVar's aggregate classification.

Literature cited by the submitters: PubMed 28873162 (cited by Ambry Genetics).